The following is an entry in ClinVar:

NM_000540.3(RYR1):c.8074G>A (p.Asp2692Asn)

Gene: RYR1 (ryanodine receptor 1; plus strand). Cytogenetic location: 19q13.2.
Variant type: single nucleotide variant.
Coding change: c.8074G>A on transcript NM_000540.3 (MANE Select); coding-DNA position 8074, G replaced by A.
Protein change: p.Asp2692Asn; replaces aspartic acid 2692 with asparagine.
Molecular consequence: missense variant.
Genome position (GRCh38, 1-based): chr19:38,504,754, G>A. VCF-style: chr19-38504754-G-A. GRCh37 (hg19) VCF-style: chr19-38995394-G-A.
Other names: c.8074G>A, p.Asp2692Asn (NM_001042723.2); short protein forms D2692N.
Identifiers: ClinVar variation 967365 (VCV000967365.8), dbSNP rs201847439, ClinGen allele CA308116279.

ClinVar aggregate classification (germline): Uncertain significance. Review status: criteria provided, multiple submitters, no conflicts (2 of 4 stars). 3 submissions from 3 submitters: Uncertain significance (3). Last evaluated 2024-03-06.

Conditions:
Malignant hyperthermia, susceptibility to, 1 (MHS1). Also called: Anesthesia related hyperthermia; Malignant hyperpyrexia; Fulminating hyperpyrexia; Pharmacogenic myopathy; Malignant hyperthermia suceptibility 1; RYR1-Related Malignant Hyperthermia Susceptibility. Identifiers: Orphanet 423, MedGen C2930980, MONDO:0007783, OMIM 145600.
RYR1-related disorder. Also called: RYR1-related disorders; RYR1-related condition. Identifiers: MedGen CN239331.

Allele frequency attached by ClinVar (database versions not stated): gnomAD exomes below 0.00001; TOPMed below 0.00001; gnomAD 0.00001; 1000 Genomes Project 0.00020; 1000 Genomes Project 30x 0.00031.
gnomAD v4.1: 6 of 1,614,036 alleles (0.00037%); highest among the groups gnomAD compares: East Asian, 0.0022%; no homozygotes.

Submissions (3):

Color Diagnostics, LLC DBA Color Health
Classification: Uncertain significance for Malignant hyperthermia, susceptibility to, 1. Last evaluated: 2024-03-06. Review status: criteria provided, single submitter. Criteria: ACMG Guidelines, 2015. Collection method: clinical testing. Allele origin: germline.
Comment: This missense variant replaces aspartic acid with asparagine at codon 2692 of the RYR1 protein. Computational prediction is inconclusive regarding the impact of this variant on protein structure and function. To our knowledge, functional studies have not been reported for this variant. This variant has not been reported in individuals affected with RYR1-related disorders in the literature. This variant has been identified in 1/251442 chromosomes in the general population by the Genome Aggregation Database (gnomAD). The available evidence is insufficient to determine the role of this variant in disease conclusively. Therefore, this variant is classified as a Variant of Uncertain Significance.

Labcorp Genetics (formerly Invitae), Labcorp
Classification: Uncertain significance for RYR1-related disorder. Last evaluated: 2023-08-09. Review status: criteria provided, single submitter. Criteria: Invitae Variant Classification Sherloc (09022015). Collection method: clinical testing. Allele origin: germline.
Comment: This sequence change replaces aspartic acid, which is acidic and polar, with asparagine, which is neutral and polar, at codon 2692 of the RYR1 protein (p.Asp2692Asn). This variant is not present in population databases (gnomAD no frequency). This variant has not been reported in the literature in individuals affected with RYR1-related conditions. ClinVar contains an entry for this variant (Variation ID: 967365). Advanced modeling of protein sequence and biophysical properties (such as structural, functional, and spatial information, amino acid conservation, physicochemical variation, residue mobility, and thermodynamic stability) has been performed at Invitae for this missense variant, however the output from this modeling did not meet the statistical confidence thresholds required to predict the impact of this variant on RYR1 protein function. In summary, the available evidence is currently insufficient to determine the role of this variant in disease. Therefore, it has been classified as a Variant of Uncertain Significance.

All of Us Research Program, National Institutes of Health
Classification: Uncertain significance for Malignant hyperthermia, susceptibility to, 1. Last evaluated: 2023-06-26. Review status: criteria provided, single submitter. Criteria: ACMG Guidelines, 2015. Collection method: clinical testing. Allele origin: germline. Inheritance: Autosomal dominant inheritance. Observed: 1 variant allele, 1 heterozygote.
Comment: This missense variant replaces aspartic acid with asparagine at codon 2692 of the RYR1 protein. Computational prediction is inconclusive regarding the impact of this variant on protein structure and function (internally defined REVEL score threshold 0.5 < inconclusive < 0.7, PMID: 27666373). To our knowledge, functional studies have not been reported for this variant. This variant has not been reported in individuals affected with RYR1-related disorders in the literature. This variant has been identified in 1/251442 chromosomes in the general population by the Genome Aggregation Database (gnomAD). The available evidence is insufficient to determine the role of this variant in disease conclusively. Therefore, this variant is classified as a Variant of Uncertain Significance.

This study involves interpretation of variants in research participants for the purpose of population health screening. Participant phenotype was not available at the time of variant classification. Additional details can be found in publication PMID: 35346344, PMCID: PMC8962531